The following is an entry in ClinVar:

NM_153460.4(IL17RC):c.465+4T>C

Gene: IL17RC (interleukin 17 receptor C; plus strand). Cytogenetic location: 3p25.3.
Variant type: single nucleotide variant.
Coding change: c.465+4T>C on transcript NM_153460.4 (MANE Select); 4 bases into the intron after coding-DNA position 465, T replaced by C.
Molecular consequence: intron variant.
Genome position (GRCh38, 1-based): chr3:9,918,613, T>C. VCF-style: chr3-9918613-T-C. GRCh37 (hg19) VCF-style: chr3-9960297-T-C.
Other names: c.678+4T>C (NM_153461.4); c.465+4T>C (NM_001203263.2, NM_001203264.2, NM_001367278.1 and 3 more transcripts); c.390+4T>C (NM_001367279.1).
Identifiers: ClinVar variation 2106435 (VCV002106435.4), dbSNP rs2470105820, ClinGen allele CA2580070627.

ClinVar aggregate classification (germline): Uncertain significance (1 of 4 stars; one submission).

Conditions:
Candidiasis, familial, 9 (CANDF9). Identifiers: Orphanet 1334, MedGen C4225324, MONDO:0014642, OMIM 616445.

gnomAD v4.1: 1 of 1,589,952 alleles (0.000063%); highest among the groups gnomAD compares: Non-Finnish European, 0.000086%; no homozygotes.

Submission:

Labcorp Genetics (formerly Invitae), Labcorp
Classification: Uncertain significance for Candidiasis, familial, 9. Last evaluated: 2022-04-17. Review status: criteria provided, single submitter. Criteria: Invitae Variant Classification Sherloc (09022015). Collection method: clinical testing. Allele origin: germline.
Comment: This variant is not present in population databases (gnomAD no frequency). This sequence change falls in intron 5 of the IL17RC gene. It does not directly change the encoded amino acid sequence of the IL17RC protein. It affects a nucleotide within the consensus splice site. This variant has not been reported in the literature in individuals affected with IL17RC-related conditions. In summary, the available evidence is currently insufficient to determine the role of this variant in disease. Therefore, it has been classified as a Variant of Uncertain Significance. Variants that disrupt the consensus splice site are a relatively common cause of aberrant splicing (PMID: 17576681, 9536098). Algorithms developed to predict the effect of sequence changes on RNA splicing suggest that this variant is not likely to affect RNA splicing.

Literature cited by the submitters: PubMed 17576681; PubMed 9536098.